The following is an entry in ClinVar:

NM_018993.4(RIN2):c.1345C>A (p.Pro449Thr)

Gene: RIN2 (Ras and Rab interactor 2; plus strand). Cytogenetic location: 20p11.23.
Variant type: single nucleotide variant.
Coding change: c.1345C>A on transcript NM_018993.4 (MANE Select); coding-DNA position 1345, C replaced by A.
Protein change: p.Pro449Thr; replaces proline 449 with threonine.
Molecular consequence: missense variant.
Genome position (GRCh38, 1-based): chr20:19,975,370, C>A. VCF-style: chr20-19975370-C-A. GRCh37 (hg19) VCF-style: chr20-19956014-C-A.
Other names: c.1492C>A, p.Pro498Thr (NM_001242581.2); c.727C>A, p.Pro243Thr (NM_001378238.1); short protein forms P243T, P449T, P498T.
Identifiers: ClinVar variation 3773917 (VCV003773917.1).

ClinVar aggregate classification (germline): Uncertain significance (1 of 4 stars; one submission).

gnomAD v4.1: 2 of 1,613,928 alleles (0.00012%); highest among the groups gnomAD compares: South Asian, 0.0011%; no homozygotes.

Submission:

GeneDx
Classification: Uncertain significance. Last evaluated: 2024-09-24. Review status: criteria provided, single submitter. Criteria: GeneDx Variant Classification Process June 2021. Collection method: clinical testing. Allele origin: germline. Affected: yes.
Comment: Not observed at significant frequency in large population cohorts (gnomAD); In silico analysis indicates that this missense variant does not alter protein structure/function; Has not been previously published as pathogenic or benign to our knowledge